The following is an entry in ClinVar:

ClinVar aggregate classification (germline): Benign. Review status: criteria provided, single submitter (1 of 4 stars). 2 submissions from 2 submitters: Benign (1). 1 of the submissions does not count toward it. Last evaluated 2023-10-30.

Conditions:
GSTZ1-related disorder. Also called: GSTZ1-related condition.

Allele frequency attached by ClinVar (database versions not stated): ExAC 0.81623; TOPMed 0.82818; gnomAD 0.83233; ESP Exome Variant Server 0.83754; 1000 Genomes Project 30x 0.85041; 1000 Genomes Project 0.85304.

Submissions (2):

GeneDx
Classification: Benign. Last evaluated: 2023-10-30. Review status: criteria provided, single submitter. Criteria: GeneDx Variant Classification Process June 2021. Collection method: clinical testing. Allele origin: germline. Affected: yes.
Comment: See Variant Classification Assertion Criteria.

PreventionGenetics, part of Exact Sciences
Classification: Benign for GSTZ1-related condition. Last evaluated: 2020-03-16. Review status: no assertion criteria provided. Collection method: clinical testing. Allele origin: germline. Not counted in ClinVar's aggregate classification.
Comment: This variant is classified as benign based on ACMG/AMP sequence variant interpretation guidelines (Richards et al. 2015 PMID: 25741868, with internal and published modifications).

NM_145870.3(GSTZ1):c.245T>C (p.Met82Thr)

Gene: GSTZ1 (glutathione S-transferase zeta 1; plus strand). Cytogenetic location: 14q24.3.
Variant type: single nucleotide variant.
Coding change: c.245T>C on transcript NM_145870.3 (MANE Select); coding-DNA position 245, T replaced by C.
Protein change: p.Met82Thr; replaces methionine 82 with threonine.
Molecular consequence: missense variant. On other transcripts: intron variant (1).
Genome position (GRCh38, 1-based): chr14:77,327,940, T>C. VCF-style: chr14-77327940-T-C. GRCh37 (hg19) VCF-style: chr14-77794283-T-C.
Other names: c.80T>C, p.Met27Thr (NM_001312660.2); c.248T>C, p.Met83Thr (NM_001363703.2); c.216+388T>C (NM_145871.3); short protein forms M27T, M82T, M83T.
Identifiers: ClinVar variation 2663453 (VCV002663453.3), dbSNP rs1046428, ClinGen allele CA7286501.